The following is an entry in ClinVar:

ClinVar aggregate classification (germline): Likely pathogenic (1 of 4 stars; one submission).

Conditions:
Thrombophilia, X-linked, due to factor 8 defect. Also called: THROMBOPHILIA, X-LINKED, DUE TO FACTOR VIII DEFECT; Thrombophilia 13, X-linked, due to factor VIII defect. Identifiers: MedGen C5676879, MONDO:0859082, OMIM 301071.
Hereditary factor VIII deficiency disease (HEMA). Also called: HEMOPHILIA, CLASSIC; AUTOSOMAL HEMOPHILIA A; Hemophilia A; Hemophilia A, congenital; HEM A; Factor 8 deficiency, congenital. Identifiers: Orphanet 98878, MedGen C0019069, MONDO:0010602, OMIM 306700.

Submission:

Juno Genomics, Hangzhou Juno Genomics, Inc
Classification: Likely pathogenic for Hereditary factor VIII deficiency disease; Thrombophilia, X-linked, due to factor 8 defect. Review status: criteria provided, single submitter. Criteria: ACMG Guidelines, 2015. Collection method: clinical testing. Allele origin: germline. Affected: yes.
Comment: Absent from controls (or at extremely low frequency if recessive) in Genome Aggregation Database, Exome Sequencing Project, 1000 Genomes Project, or Exome Aggregation Consortium.;Null variant in a gene where loss of function (LOF) is a known mechanism of disease.

NM_000132.4(F8):c.783del (p.Pro262fs)

Gene: F8 (coagulation factor VIII; minus strand). Cytogenetic location: Xq28.
Variant type: Deletion.
Coding change: c.783del on transcript NM_000132.4 (MANE Select); coding-DNA position 783, one base deleted (G; older notation c.783delG).
Protein change: p.Pro262fs; shifts the reading frame from proline 262.
Molecular consequence: frameshift variant.
Genome position (GRCh38, 1-based): chrX:154,984,691, C deleted on the plus strand (G on the coding strand, the reverse complement: F8 is on the minus strand). VCF-style (leftmost placement, unchanged base first): chrX-154984690-GC-G. GRCh37 (hg19) VCF-style: chrX-154212965-GC-G.
Other names: short protein forms P262fs.
Identifiers: ClinVar variation 3382702 (VCV003382702.2).
Genomic context (GRCh38, chrX:154,984,690, plus strand): 5'-GAACTCTGGTGCTGAATTTGGAAGACCCTGAGGATTGTTGAGCAGGTGTGTACATACCTG[GC>G]AGAGACCTGTTTACATAACCATTGACTGTGTGCATTTTAGGCCAGGCCCGAGCAGATGCA-3'